The following is an entry in ClinVar:

ClinVar aggregate classification (germline): Likely pathogenic (1 of 4 stars; one submission).

Conditions:
Pick disease. Also called: Pick Disease of the Brain; PICK DISEASE OF BRAIN; Pick's disease; DEMENTIA WITH LOBAR ATROPHY AND NEURONAL CYTOPLASMIC INCLUSIONS; LOBAR ATROPHY OF BRAIN. Identifiers: Orphanet 282, MedGen C0236642, MONDO:0008243, OMIM 172700.
Acne inversa, familial, 3 (ACNINV3). Identifiers: MedGen C3151038, MONDO:0013398, OMIM 613737.
Alzheimer disease 3 (AD3). Also called: ALZHEIMER DISEASE, FAMILIAL, 3. Identifiers: Orphanet 1020, MedGen C1843013, MONDO:0011913, OMIM 607822.
Frontotemporal dementia (FTD1). Also called: Frontotemporal lobe dementia (FLDEM); WILHELMSEN-LYNCH DISEASE; MULTIPLE SYSTEM TAUOPATHY WITH PRESENILE DEMENTIA; FRONTOTEMPORAL DEMENTIA WITH PARKINSONISM; FRONTOTEMPORAL LOBE DEMENTIA; FRONTOTEMPORAL LOBAR DEGENERATION WITH TAU INCLUSIONS. Identifiers: Orphanet 282, MedGen C0338451, MONDO:0017276, OMIM 600274, HP:0002145.

Submission:

Labcorp Genetics (formerly Invitae), Labcorp
Classification: Likely pathogenic for Alzheimer disease 3; Pick disease; Acne inversa, familial, 3; Frontotemporal dementia. Last evaluated: 2021-05-26. Review status: criteria provided, single submitter. Criteria: Invitae Variant Classification Sherloc (09022015). Collection method: clinical testing. Allele origin: germline.
Comment: This variant has not been reported in the literature in individuals with PSEN1-related conditions. In summary, the currently available evidence indicates that the variant is pathogenic, but additional data are needed to prove that conclusively. Therefore, this variant has been classified as Likely Pathogenic. This variant disrupts the p.Ile249 amino acid residue in PSEN1. Other variant(s) that disrupt this residue have been determined to be pathogenic (PMID: 31235249, 31235249, Invitae). This suggests that this residue is clinically significant, and that variants that disrupt this residue are likely to be disease-causing. Advanced modeling of protein sequence and biophysical properties (such as structural, functional, and spatial information, amino acid conservation, physicochemical variation, residue mobility, and thermodynamic stability) performed at Invitae indicates that this missense variant is expected to disrupt PSEN1 protein function. This variant is not present in population databases (ExAC no frequency). This sequence change replaces isoleucine with phenylalanine at codon 249 of the PSEN1 protein (p.Ile249Phe). The isoleucine residue is highly conserved and there is a small physicochemical difference between isoleucine and phenylalanine.

Literature cited by the submitters: PubMed 31235249.

NM_000021.4(PSEN1):c.745A>T (p.Ile249Phe)

Gene: PSEN1 (presenilin 1; plus strand). Cytogenetic location: 14q24.2.
Variant type: single nucleotide variant.
Coding change: c.745A>T on transcript NM_000021.4 (MANE Select); coding-DNA position 745, A replaced by T.
Protein change: p.Ile249Phe; replaces isoleucine 249 with phenylalanine.
Molecular consequence: missense variant.
Genome position (GRCh38, 1-based): chr14:73,192,840, A>T. VCF-style: chr14-73192840-A-T. GRCh37 (hg19) VCF-style: chr14-73659548-A-T.
Other names: c.733A>T, p.Ile245Phe (NM_007318.3); short protein forms I245F, I249F.
Identifiers: ClinVar variation 1489371 (VCV001489371.8), dbSNP rs1362575880, ClinGen allele CA390299862.